The following is an entry in ClinVar:

NM_001378454.1(ALMS1):c.7916A>T (p.His2639Leu)

Gene: ALMS1 (ALMS1 centrosome and basal body associated protein; plus strand). Cytogenetic location: 2p13.1.
Variant type: single nucleotide variant.
Coding change: c.7916A>T on transcript NM_001378454.1 (MANE Select); coding-DNA position 7916, A replaced by T.
Protein change: p.His2639Leu; replaces histidine 2639 with leucine.
Molecular consequence: missense variant.
Genome position (GRCh38, 1-based): chr2:73,489,875, A>T. VCF-style: chr2-73489875-A-T. GRCh37 (hg19) VCF-style: chr2-73717002-A-T.
Other names: c.7919A>T, p.His2640Leu (NM_015120.4); short protein forms H2640L, H2639L.
Identifiers: ClinVar variation 4842277 (VCV004842277.1).

ClinVar aggregate classification (germline): Uncertain significance (1 of 4 stars; one submission).

Conditions:
Cardiovascular phenotype. Identifiers: MedGen CN230736.

Submission:

Ambry Genetics
Classification: Uncertain significance for Cardiovascular phenotype. Last evaluated: 2026-01-21. Review status: criteria provided, single submitter. Criteria: Ambry Variant Classification Scheme 2023. Collection method: clinical testing. Allele origin: germline.
Comment: The p.H2640L variant (also known as c.7919A>T), located in coding exon 10 of the ALMS1 gene, results from an A to T substitution at nucleotide position 7919. The histidine at codon 2640 is replaced by leucine, an amino acid with similar properties. This amino acid position is not well conserved in available vertebrate species. In addition, this alteration is predicted to be tolerated by in silico analysis. Based on the available evidence, the clinical significance of this variant remains unclear.